The following is an entry in ClinVar:

ClinVar aggregate classification (germline): Likely benign (1 of 4 stars; one submission).

Submission:

CeGaT Center for Human Genetics Tuebingen
Classification: Likely benign. Last evaluated: 2025-02-01. Review status: criteria provided, single submitter. Criteria: CeGaT Center For Human Genetics Tuebingen Variant Classification Criteria Version 2. Collection method: clinical testing. Allele origin: germline. Affected: yes. Observed: 1 variant allele.
Comment: ZNF750: PM2:Supporting, BP4, BP7

NM_024702.3(ZNF750):c.312C>T (p.His104=)

Genes: TBCD (tubulin folding cofactor D), ZNF750 (zinc finger protein 750; minus strand). Cytogenetic location: 17q25.3.
Variant type: single nucleotide variant.
Coding change: c.312C>T on transcript NM_024702.3 (MANE Select); coding-DNA position 312, C replaced by T.
Protein change: p.His104=; no amino-acid change (histidine 104 retained).
Molecular consequence: synonymous variant. On other transcripts: intron variant (3).
Genome position (GRCh38, 1-based): chr17:82,832,143, G>A on the plus strand (C>T on the coding strand, the complement: ZNF750 is on the minus strand). VCF-style: chr17-82832143-G-A. GRCh37 (hg19) VCF-style: chr17-80790019-G-A.
Other names: c.1318+17209G>A (NM_005993.5, NM_001411102.1); c.1267+17209G>A (NM_001411101.1).
Identifiers: ClinVar variation 3772614 (VCV003772614.13).
Genomic context (GRCh38, chr17:82,832,143, plus strand): 5'-CCTGTGGGTTCCCCGGGCTTGCAGCTCCAGGTTTTCCTTGATGTCTTCCCTGGCAGAGCT[G>A]TGCTGAAGCTTCGAGTCGAAGGCAGAGAGTCCATTTGCGACAGACTTGGAAGAGGCTGGC-3'
Protein context (NP_078978.2, residues 94-114): GLSAFDSKLQ[His104=]SSAREDIKEN